The following is an entry in ClinVar:

NM_001323289.2(CDKL5):c.524G>C (p.Arg175Thr)

Gene: CDKL5 (cyclin dependent kinase like 5; plus strand). Cytogenetic location: Xp22.13.
Variant type: single nucleotide variant.
Coding change: c.524G>C on transcript NM_001323289.2 (MANE Select); coding-DNA position 524, G replaced by C.
Protein change: p.Arg175Thr; replaces arginine 175 with threonine.
Molecular consequence: missense variant.
Genome position (GRCh38, 1-based): chrX:18,584,323, G>C. VCF-style: chrX-18584323-G-C. GRCh37 (hg19) VCF-style: chrX-18602443-G-C.
Other names: c.524G>C, p.Arg175Thr (NM_001037343.2, NM_003159.3); short protein forms R175T.
Identifiers: ClinVar variation 957873 (VCV000957873.1), dbSNP rs1064794734, ClinGen allele CA412352453.

ClinVar aggregate classification (germline): Likely pathogenic (1 of 4 stars; one submission).

Conditions:
Developmental and epileptic encephalopathy, 2 (DEE2). Also called: CDKL5 deficiency disorder; INFANTILE SPASM SYNDROME, X-LINKED 2. Identifiers: Orphanet 1934, Orphanet 3451, Orphanet 505652, MedGen C4750718, MONDO:0010396, OMIM 300672.
Angelman syndrome-like. Identifiers: MedGen CN128785.

Submission:

Labcorp Genetics (formerly Invitae), Labcorp
Classification: Likely pathogenic for Developmental and epileptic encephalopathy, 2; Angelman syndrome-like. Last evaluated: 2019-10-31. Review status: criteria provided, single submitter. Criteria: Invitae Variant Classification Sherloc (09022015). Collection method: clinical testing. Allele origin: germline.
Comment: This sequence change replaces arginine with threonine at codon 175 of the CDKL5 protein (p.Arg175Thr). The arginine residue is highly conserved and there is a moderate physicochemical difference between arginine and threonine. This variant is not present in population databases (ExAC no frequency). This variant has been observed in individual(s) with clinical features of CDKL5-related disease (Invitae). In at least one individual the variant was observed to be de novo. Algorithms developed to predict the effect of missense changes on protein structure and function are either unavailable or do not agree on the potential impact of this missense change (SIFT: "Deleterious"; PolyPhen-2: "Possibly Damaging"; Align-GVGD: "Class C0"). In summary, the currently available evidence indicates that the variant is pathogenic, but additional data are needed to prove that conclusively. Therefore, this variant has been classified as Likely Pathogenic.